The following is an entry in ClinVar:

ClinVar aggregate classification (germline): Uncertain significance (1 of 4 stars; one submission).

Submission:

Labcorp Genetics (formerly Invitae), Labcorp
Classification: Uncertain significance. Last evaluated: 2022-08-09. Review status: criteria provided, single submitter. Criteria: Invitae Variant Classification Sherloc (09022015). Collection method: clinical testing. Allele origin: germline.
Comment: In summary, the available evidence is currently insufficient to determine the role of this variant in disease. Therefore, it has been classified as a Variant of Uncertain Significance. Algorithms developed to predict the effect of missense changes on protein structure and function are either unavailable or do not agree on the potential impact of this missense change (SIFT: "Tolerated"; PolyPhen-2: "Possibly Damaging"; Align-GVGD: "Class C0"). ClinVar contains an entry for this variant (Variation ID: 1395237). This variant has not been reported in the literature in individuals affected with SZT2-related conditions. This variant is not present in population databases (gnomAD no frequency). This sequence change replaces threonine, which is neutral and polar, with serine, which is neutral and polar, at codon 277 of the SZT2 protein (p.Thr277Ser).

NM_001365999.1(SZT2):c.829A>T (p.Thr277Ser)

Gene: SZT2 (SZT2 subunit of KICSTOR complex; plus strand). Cytogenetic location: 1p34.2.
Variant type: single nucleotide variant.
Coding change: c.829A>T on transcript NM_001365999.1 (MANE Select); coding-DNA position 829, A replaced by T.
Protein change: p.Thr277Ser; replaces threonine 277 with serine.
Molecular consequence: missense variant.
Genome position (GRCh38, 1-based): chr1:43,416,591, A>T. VCF-style: chr1-43416591-A-T. GRCh37 (hg19) VCF-style: chr1-43882262-A-T.
Other names: c.829A>T, p.Thr277Ser (NM_015284.4); short protein forms T277S.
Identifiers: ClinVar variation 1395237 (VCV001395237.6), dbSNP rs2153931637, ClinGen allele CA340003578.
Genomic context (GRCh38, chr1:43,416,591, plus strand): 5'-CCAGGGATTATCGTGATCACGGATGGGGTGACCAGTGTACCTGATGTTGCTGTCTGTGAG[A>T]CACTGCTGAACCAGCTTCGCAGTGGCACTGTGGCTTGTTCCTTTGTCCAGGTGAGGACTT-3'
Protein context (NP_001352928.1, residues 267-287): TSVPDVAVCE[Thr277Ser]LLNQLRSGTV